The following is an entry in ClinVar:

ClinVar aggregate classification (germline): Likely benign. Review status: criteria provided, multiple submitters, no conflicts (2 of 4 stars). 2 submissions from 2 submitters: Likely benign (2). Last evaluated 2026-04-29.

Conditions:
Cardiovascular phenotype. Identifiers: MedGen CN230736.

gnomAD v4.1: 35 of 1,613,692 alleles (0.0022%); highest among the groups gnomAD compares: Middle Eastern, 0.016%; no homozygotes.

Submissions (2):

Women's Health and Genetics/Laboratory Corporation of America, LabCorp
Classification: Likely benign. Last evaluated: 2026-04-29. Review status: criteria provided, single submitter. Criteria: LabCorp Variant Classification Summary - May 2015. Collection method: clinical testing. Allele origin: germline.
Comment: Variant summary: TNXB c.9303G>A alters a non-conserved nucleotide resulting in a synonymous change. Consensus agreement among computation tools predict no significant impact on normal splicing. However, these predictions have yet to be confirmed by functional studies. The variant allele was found at a frequency of 1.6e-05 in 246554 control chromosomes. The available data on variant occurrences in the general population are insufficient to allow any conclusion about variant significance. To our knowledge, no occurrence of c.9303G>A in individuals affected with TNXB-related conditions and no experimental evidence demonstrating its impact on protein function have been reported. ClinVar contains an entry for this variant (Variation ID: 3972054). Based on the evidence outlined above, the variant was classified as likely benign.

Ambry Genetics
Classification: Likely benign for Cardiovascular phenotype. Last evaluated: 2025-06-10. Review status: criteria provided, single submitter. Criteria: Ambry Variant Classification Scheme 2023. Collection method: clinical testing. Allele origin: germline.

NM_001365276.2(TNXB):c.9309G>A (p.Ala3103=)

Gene: TNXB (tenascin XB; minus strand). Cytogenetic location: 6p21.33.
Variant type: single nucleotide variant.
Coding change: c.9309G>A on transcript NM_001365276.2 (MANE Select); coding-DNA position 9309, G replaced by A.
Protein change: p.Ala3103=; no amino-acid change (alanine 3103 retained).
Molecular consequence: synonymous variant.
Genome position (GRCh38, 1-based): chr6:32,050,128, C>T on the plus strand (G>A on the coding strand, the complement: TNXB is on the minus strand). VCF-style: chr6-32050128-C-T. GRCh37 (hg19) VCF-style: chr6-32017905-C-T.
Other names: c.10050G>A, p.Ala3350= (NM_001428335.1); c.9303G>A, p.Ala3101= (NM_019105.8).
Identifiers: ClinVar variation 3972054 (VCV003972054.2).